The following is an entry in ClinVar:

ClinVar aggregate classification (germline): Uncertain significance (1 of 4 stars; one submission).

Conditions:
Amyotrophic lateral sclerosis type 1 (ALS1). Also called: AMYOTROPHIC LATERAL SCLEROSIS 1, FAMILIAL. Identifiers: Orphanet 803, MedGen C1862939, MONDO:0007103, OMIM 105400.
Neuronopathy, distal hereditary motor, type 7B. Also called: NEURONOPATHY, DISTAL HEREDITARY MOTOR, AUTOSOMAL DOMINANT 14; NEURONOPATHY, DISTAL HEREDITARY MOTOR, HARDING TYPE VIIB; NEUROPATHY, DISTAL HEREDITARY MOTOR, HARDING TYPE VIIB; NEUROPATHY, DISTAL HEREDITARY MOTOR, WITH VOCAL CORD PARALYSIS, HARDING TYPE VIIB; Distal Hereditary Motor Neuronopathy Type 7B (dHMN7B); HMN VIIB. Identifiers: Orphanet 139589, MedGen C1843315, MONDO:0011879, OMIM 607641.
Perry syndrome. Also called: PARKINSONISM WITH ALVEOLAR HYPOVENTILATION AND MENTAL DEPRESSION. Identifiers: Orphanet 178509, MedGen C1868594, MONDO:0008201, OMIM 168605.

Allele frequency attached by ClinVar (database versions not stated): TOPMed below 0.00001; gnomAD 0.00001.
gnomAD v4.1: 7 of 1,612,392 alleles (0.00043%); highest among the groups gnomAD compares: African/African-American, 0.0027%; no homozygotes.

Submission:

Labcorp Genetics (formerly Invitae), Labcorp
Classification: Uncertain significance for Amyotrophic lateral sclerosis type 1; Neuronopathy, distal hereditary motor, type 7B; Perry syndrome. Last evaluated: 2025-03-16. Review status: criteria provided, single submitter. Criteria: Invitae Variant Classification Sherloc (09022015). Collection method: clinical testing. Allele origin: germline.
Comment: This sequence change replaces alanine, which is neutral and non-polar, with valine, which is neutral and non-polar, at codon 466 of the DCTN1 protein (p.Ala466Val). This variant is not present in population databases (gnomAD no frequency). This variant has not been reported in the literature in individuals affected with DCTN1-related conditions. ClinVar contains an entry for this variant (Variation ID: 2163967). Invitae Evidence Modeling of protein sequence and biophysical properties (such as structural, functional, and spatial information, amino acid conservation, physicochemical variation, residue mobility, and thermodynamic stability) has been performed for this missense variant. However, the output from this modeling did not meet the statistical confidence thresholds required to predict the impact of this variant on DCTN1 protein function. In summary, the available evidence is currently insufficient to determine the role of this variant in disease. Therefore, it has been classified as a Variant of Uncertain Significance.

NM_004082.5(DCTN1):c.1397C>T (p.Ala466Val)

Gene: DCTN1 (dynactin subunit 1; minus strand). Cytogenetic location: 2p13.1.
Variant type: single nucleotide variant.
Coding change: c.1397C>T on transcript NM_004082.5 (MANE Select); coding-DNA position 1397, C replaced by T.
Protein change: p.Ala466Val; replaces alanine 466 with valine.
Molecular consequence: missense variant. On other transcripts: non-coding transcript variant (1).
Genome position (GRCh38, 1-based): chr2:74,369,487, G>A on the plus strand (C>T on the coding strand, the complement: DCTN1 is on the minus strand). VCF-style: chr2-74369487-G-A. GRCh37 (hg19) VCF-style: chr2-74596614-G-A.
Other names: c.1337C>T, p.Ala446Val (NM_001135040.3); c.995C>T, p.Ala332Val (NM_001135041.3, NM_023019.4); c.1286C>T, p.Ala429Val (NM_001190836.2); c.1376C>T, p.Ala459Val (NM_001190837.2); c.1346C>T, p.Ala449Val (NM_001378991.1); c.1328C>T, p.Ala443Val (NM_001378992.1); short protein forms A332V, A429V, A443V, A446V, A449V, A459V, A466V.
Identifiers: ClinVar variation 2163967 (VCV002163967.4), dbSNP rs1360151678, ClinGen allele CA347359265.
Genomic context (GRCh38, chr2:74,369,487, plus strand): 5'-CGCAGCTCCAGTTCTGTCTCACGTGCATTCTCCTGCAGCTCATCGTTCATCTCATTCATC[G>A]CTTCCTAGGACACCACACCATAGTTTGGGCTAAAGAAAGGCAGGGTCGGCCAGCGGCGGT-3'
Protein context (NP_004073.2, residues 456-476): ELRETVGDLE[Ala466Val]MNEMNDELQE